The following is an entry in ClinVar:

NM_000179.3(MSH6):c.2145C>G (p.Asp715Glu)

Gene: MSH6 (mutS homolog 6; plus strand). Cytogenetic location: 2p16.3.
Variant type: single nucleotide variant.
Coding change: c.2145C>G on transcript NM_000179.3 (MANE Select); coding-DNA position 2145, C replaced by G.
Protein change: p.Asp715Glu; replaces aspartic acid 715 with glutamic acid.
Molecular consequence: missense variant.
Genome position (GRCh38, 1-based): chr2:47,800,128, C>G. VCF-style: chr2-47800128-C-G. GRCh37 (hg19) VCF-style: chr2-48027267-C-G.
Other names: c.1755C>G, p.Asp585Glu (NM_001281492.2); c.1239C>G, p.Asp413Glu (NM_001281493.2, NM_001281494.2); short protein forms D715E, D585E, D413E.
Identifiers: ClinVar variation 560769 (VCV000560769.22), dbSNP rs1221484522, ClinGen allele CA346751090.

ClinVar aggregate classification (germline): Conflicting classifications of pathogenicity. Review status: criteria provided, conflicting classifications (1 of 4 stars). 7 submissions from 7 submitters: Uncertain significance (6); Likely benign (1). Last evaluated 2026-01-11.

Conditions:
Hereditary nonpolyposis colorectal neoplasms. Identifiers: MedGen C0009405, MeSH D003123.
Hereditary cancer-predisposing syndrome. Also called: Hereditary neoplastic syndrome; Neoplastic Syndromes, Hereditary; Tumor predisposition; Hereditary Cancer Syndrome. Identifiers: Orphanet 140162, MedGen C0027672, MeSH D009386, MONDO:0015356.
Lynch syndrome. Identifiers: Orphanet 144, MedGen C4552100, MONDO:0005835. Disease mechanism: loss of function.

Allele frequency attached by ClinVar (database versions not stated): gnomAD exomes below 0.00001; TOPMed below 0.00001.

Submissions (7):

Labcorp Genetics (formerly Invitae), Labcorp
Classification: Likely benign for Hereditary nonpolyposis colorectal neoplasms. Last evaluated: 2026-01-11. Review status: criteria provided, single submitter. Criteria: Invitae Variant Classification Sherloc (09022015). Collection method: clinical testing. Allele origin: germline.

Ambry Genetics
Classification: Uncertain significance for Hereditary cancer-predisposing syndrome. Last evaluated: 2025-06-02. Review status: criteria provided, single submitter. Criteria: Ambry Variant Classification Scheme 2023. Collection method: clinical testing. Allele origin: germline.
Comment: The p.D715E variant (also known as c.2145C>G), located in coding exon 4 of the MSH6 gene, results from a C to G substitution at nucleotide position 2145. The aspartic acid at codon 715 is replaced by glutamic acid, an amino acid with highly similar properties. This amino acid position is not well conserved in available vertebrate species. In addition, this alteration is predicted to be tolerated by in silico analysis. Since supporting evidence is limited at this time, the clinical significance of this alteration remains unclear.

All of Us Research Program, National Institutes of Health
Classification: Uncertain significance for Lynch syndrome. Last evaluated: 2024-08-06. Review status: criteria provided, single submitter. Criteria: ACMG Guidelines, 2015. Collection method: clinical testing. Allele origin: germline. Inheritance: Autosomal dominant inheritance. Observed: 1 variant allele, 1 heterozygote.
Comment: This missense variant replaces aspartic acid with glutamic acid at codon 715 of the MSH6 protein. Computational prediction suggests that this variant may not impact protein structure and function (internally defined REVEL score threshold <= 0.5, PMID: 27666373). To our knowledge, functional studies have not been reported for this variant. This variant has not been reported in individuals affected with hereditary cancer in the literature. This variant has been identified in 1/250916 chromosomes in the general population by the Genome Aggregation Database (gnomAD). The available evidence is insufficient to determine the role of this variant in disease conclusively. Therefore, this variant is classified as a Variant of Uncertain Significance.

This study involves interpretation of variants in research participants for the purpose of population health screening. Participant phenotype was not available at the time of variant classification. Additional details can be found in publication PMID: 35346344, PMCID: PMC8962531

Sema4
Classification: Uncertain significance for Hereditary cancer-predisposing syndrome. Last evaluated: 2021-05-10. Review status: criteria provided, single submitter. Criteria: Sema4 Curation Guidelines. Collection method: curation. Allele origin: germline.
Comment: The MSH6 c.2145C>G (p.D715E) variant has not been reported in the literature to our knowledge. It was observed in 1/34582 chromosomes of the Latino subpopulation in the large and broad cohorts of the Genome Aggregation Database (PMID: 32461654). The variant has been reported in ClinVar (Variation ID 560769). Functional studies have not been performed, and in silico predictions of the variant's effect on protein function are inconclusive. The evidence is insufficient to meet ACMG/AMP criteria for classifying the variant as benign or pathogenic. Thus, the clinical significance of this variant is currently uncertain.

Color Diagnostics, LLC DBA Color Health
Classification: Uncertain significance for Hereditary cancer-predisposing syndrome. Last evaluated: 2020-11-10. Review status: criteria provided, single submitter. Criteria: ACMG Guidelines, 2015. Collection method: clinical testing. Allele origin: germline.
Comment: This missense variant replaces aspartic acid with glutamic acid at codon 715 of the MSH6 protein. Computational prediction suggests that this variant may not impact protein structure and function (internally defined REVEL score threshold <= 0.5, PMID: 27666373). To our knowledge, functional studies have not been reported for this variant. This variant has not been reported in individuals affected with hereditary cancer in the literature. This variant has been identified in 1/250916 chromosomes in the general population by the Genome Aggregation Database (gnomAD). The available evidence is insufficient to determine the role of this variant in disease conclusively. Therefore, this variant is classified as a Variant of Uncertain Significance.

GeneDx
Classification: Uncertain significance. Last evaluated: 2019-05-14. Review status: criteria provided, single submitter. Criteria: GeneDx Variant Classification Process June 2021. Collection method: clinical testing. Allele origin: germline. Affected: yes.
Comment: Not observed at a significant frequency in large population cohorts (Lek et al., 2016); In silico analysis, which includes protein predictors and evolutionary conservation, supports that this variant does not alter protein structure/function; Has not been previously published as pathogenic or benign to our knowledge

PreventionGenetics, part of Exact Sciences
Classification: Uncertain significance. Last evaluated: 2017-11-27. Review status: criteria provided, single submitter. Criteria: ACMG Guidelines, 2015. Collection method: clinical testing. Allele origin: germline.